The following is an entry in ClinVar:

NM_001025356.3(ANO6):c.1309-8G>T

Gene: ANO6 (anoctamin 6; plus strand). Cytogenetic location: 12q12.
Variant type: single nucleotide variant.
Coding change: c.1309-8G>T on transcript NM_001025356.3 (MANE Select); 8 bases into the intron before coding-DNA position 1309, G replaced by T.
Molecular consequence: intron variant.
Genome position (GRCh38, 1-based): chr12:45,390,413, G>T. VCF-style: chr12-45390413-G-T. GRCh37 (hg19) VCF-style: chr12-45784196-G-T.
Other names: p.?; c.1309-8G>T (NM_001142679.2); c.1372-8G>T (NM_001204803.2); c.1255-8G>T (NM_001142678.2).
Identifiers: ClinVar variation 2085776 (VCV002085776.6), dbSNP rs373224319, ClinGen allele CA6525316.

ClinVar aggregate classification (germline): Likely benign. Review status: criteria provided, multiple submitters, no conflicts (2 of 4 stars). 3 submissions from 3 submitters: Likely benign (3). Last evaluated 2026-04-15.

Allele frequency attached by ClinVar (database versions not stated): ExAC 0.00012; ESP Exome Variant Server 0.00015; gnomAD 0.00019; TOPMed 0.00022; gnomAD exomes 0.00032.
gnomAD v4.1: 497 of 1,612,112 alleles (0.031%); highest among the groups gnomAD compares: Non-Finnish European, 0.039%; no homozygotes.

Submissions (3):

Women's Health and Genetics/Laboratory Corporation of America, LabCorp
Classification: Likely benign. Last evaluated: 2026-04-15. Review status: criteria provided, single submitter. Criteria: LabCorp Variant Classification Summary - May 2015. Collection method: clinical testing. Allele origin: germline.

Labcorp Genetics (formerly Invitae), Labcorp
Classification: Likely benign. Last evaluated: 2026-02-01. Review status: criteria provided, single submitter. Criteria: Invitae Variant Classification Sherloc (09022015). Collection method: clinical testing. Allele origin: germline.

Mayo Clinic Laboratories, Mayo Clinic
Classification: Likely benign. Last evaluated: 2025-10-08. Review status: criteria provided, single submitter. Criteria: ACMG Guidelines, 2015. Collection method: clinical testing. Allele origin: germline. Observed: 1 variant allele.
Comment: BP4, BP7